The following is an entry in ClinVar:

NM_000520.6(HEXA):c.1421+1G>A

Gene: HEXA (hexosaminidase subunit alpha; minus strand). Cytogenetic location: 15q23.
Variant type: single nucleotide variant.
Coding change: c.1421+1G>A on transcript NM_000520.6 (MANE Select); the canonical splice donor site of the intron after coding-DNA position 1421, G replaced by A.
Molecular consequence: splice donor variant.
Genome position (GRCh38, 1-based): chr15:72,346,234, C>T on the plus strand (G>A on the coding strand, the complement: HEXA is on the minus strand). VCF-style: chr15-72346234-C-T. GRCh37 (hg19) VCF-style: chr15-72638575-C-T.
Other names: c.1454+1G>A (NM_001318825.2).
Identifiers: ClinVar variation 4818720 (VCV004818720.1).

ClinVar aggregate classification (germline): Pathogenic (1 of 4 stars; one submission).

Conditions:
Tay-Sachs disease (TSD). Also called: HEXA DEFICIENCY; HEXA Disorders; GM2 gangliosidosis, type 1; Hexosaminidase alpha-subunit deficiency (variant B); Sphingolipidosis, Tay-Sachs; Hexosaminidase A Deficiency. Identifiers: Orphanet 845, MedGen C0039373, MONDO:0010100, OMIM 272800.

Submission:

Natera, Inc.
Classification: Pathogenic for Tay-Sachs disease. Last evaluated: 2025-03-27. Review status: criteria provided, single submitter. Criteria: Natera Variant Classification Schema (03/2026). Collection method: clinical testing. Allele origin: germline.
Comment: The c.1421+1G>A variant in HEXA is a canonical splice donor site variant predicted to affect pre-mRNA splicing, which may result in an abnormal transcript and altered protein product. This variant is expected to result in nonsense mediated decay, truncation, or a dysfunctional protein product. This variant is rare in the general population with a frequency below the threshold expected for the associated phenotype(s). Another variant at this same site results in an alteration predicted to cause a similar molecular effect has been observed in individual(s) with the associated phenotype. Given the available evidence, this variant is classified as Pathogenic.